The following is an entry in ClinVar:

ClinVar aggregate classification (germline): Uncertain significance (1 of 4 stars; one submission).

gnomAD v4.1: 2 of 1,613,876 alleles (0.00012%); highest among the groups gnomAD compares: African/African-American, 0.0013%; no homozygotes.

Submission:

Labcorp Genetics (formerly Invitae), Labcorp
Classification: Uncertain significance. Last evaluated: 2022-10-04. Review status: criteria provided, single submitter. Criteria: Invitae Variant Classification Sherloc (09022015). Collection method: clinical testing. Allele origin: germline.
Comment: Algorithms developed to predict the effect of missense changes on protein structure and function are either unavailable or do not agree on the potential impact of this missense change (SIFT: "Tolerated"; PolyPhen-2: "Possibly Damaging"; Align-GVGD: "Class C0"). In summary, the available evidence is currently insufficient to determine the role of this variant in disease. Therefore, it has been classified as a Variant of Uncertain Significance. This variant has not been reported in the literature in individuals affected with ARHGAP24-related conditions. This variant is not present in population databases (gnomAD no frequency). This sequence change replaces threonine, which is neutral and polar, with arginine, which is basic and polar, at codon 481 of the ARHGAP24 protein (p.Thr481Arg).

NM_001025616.3(ARHGAP24):c.1442C>G (p.Thr481Arg)

Gene: ARHGAP24 (Rho GTPase activating protein 24; plus strand). Cytogenetic location: 4q21.23.
Variant type: single nucleotide variant.
Coding change: c.1442C>G on transcript NM_001025616.3 (MANE Select); coding-DNA position 1442, C replaced by G.
Protein change: p.Thr481Arg; replaces threonine 481 with arginine.
Molecular consequence: missense variant.
Genome position (GRCh38, 1-based): chr4:85,995,096, C>G. VCF-style: chr4-85995096-C-G. GRCh37 (hg19) VCF-style: chr4-86916249-C-G.
Other names: c.1157C>G, p.Thr386Arg (NM_001042669.2); c.1187C>G, p.Thr396Arg (NM_001287805.2); c.863C>G, p.Thr288Arg (NM_001346093.2); c.1163C>G, p.Thr388Arg (NM_031305.3); short protein forms T388R, T396R, T386R, T288R, T481R.
Identifiers: ClinVar variation 2127020 (VCV002127020.4), dbSNP rs147870358, ClinGen allele CA357576364.